The following is an entry in ClinVar:

ClinVar aggregate classification (germline): Likely benign (1 of 4 stars; one submission).

Allele frequency attached by ClinVar (database versions not stated): 1000 Genomes Project 30x 0.00874; 1000 Genomes Project 0.00998; TOPMed 0.01105; gnomAD 0.01216.
gnomAD v4.1: 1,842 of 152,278 alleles (1.2%); highest among the groups gnomAD compares: South Asian, 2.1%; 13 homozygotes.

Submission:

GeneDx
Classification: Likely benign. Last evaluated: 2019-05-06. Review status: criteria provided, single submitter. Criteria: GeneDx Variant Classification Process June 2021. Collection method: clinical testing. Allele origin: germline. Affected: yes.
Comment: See Variant Classification Assertion Criteria.

NM_003803.4(MYOM1):c.4251+240A>G

Gene: MYOM1 (myomesin 1; minus strand). Cytogenetic location: 18p11.31.
Variant type: single nucleotide variant.
Coding change: c.4251+240A>G on transcript NM_003803.4 (MANE Select); 240 bases into the intron after coding-DNA position 4251, A replaced by G.
Molecular consequence: intron variant.
Genome position (GRCh38, 1-based): chr18:3,085,798, T>C on the plus strand (A>G on the coding strand, the complement: MYOM1 is on the minus strand). VCF-style: chr18-3085798-T-C. GRCh37 (hg19) VCF-style: chr18-3085796-T-C.
Other names: c.3963+240A>G (NM_019856.2).
Identifiers: ClinVar variation 1707259 (VCV001707259.2), dbSNP rs142047276, ClinGen allele CA295543227.
Genomic context (GRCh38, chr18:3,085,798, plus strand): 5'-CTGTACTTTTAGGACCACGAGGCTTAAGCACAAATGAAGAATGATCCACTTCACTGCCCA[T>C]ATATGGATAAAAGCAACTCAGAAAAGCAAGAGTTGTGGCATTCAGCTCATACTGGTTTGC-3'